The following is an entry in ClinVar:

NM_001378457.1(DMXL2):c.342C>G (p.Tyr114Ter)

Gene: DMXL2 (Dmx like 2; minus strand). Cytogenetic location: 15q21.2.
Variant type: single nucleotide variant.
Coding change: c.342C>G on transcript NM_001378457.1 (MANE Select); coding-DNA position 342, C replaced by G.
Protein change: p.Tyr114Ter; replaces tyrosine 114 with a stop codon.
Molecular consequence: nonsense. On other transcripts: non-coding transcript variant (2).
Genome position (GRCh38, 1-based): chr15:51,565,110, G>C on the plus strand (C>G on the coding strand, the complement: DMXL2 is on the minus strand). VCF-style: chr15-51565110-G-C. GRCh37 (hg19) VCF-style: chr15-51857307-G-C.
Other names: c.342C>G, p.Tyr114Ter (NM_001174116.3, NM_001174117.3, NM_001378458.1 and 7 more transcripts); short protein forms Y114*.
Identifiers: ClinVar variation 2100882 (VCV002100882.4), dbSNP rs2548705861, ClinGen allele CA392756810.

ClinVar aggregate classification (germline): Pathogenic (1 of 4 stars; one submission).

Submission:

Labcorp Genetics (formerly Invitae), Labcorp
Classification: Pathogenic. Last evaluated: 2022-10-18. Review status: criteria provided, single submitter. Criteria: Invitae Variant Classification Sherloc (09022015). Collection method: clinical testing. Allele origin: germline.
Comment: This sequence change creates a premature translational stop signal (p.Tyr114*) in the DMXL2 gene. It is expected to result in an absent or disrupted protein product. Loss-of-function variants in DMXL2 are known to be pathogenic (PMID: 30237576, 31688942). This variant is not present in population databases (gnomAD no frequency). This variant has not been reported in the literature in individuals affected with DMXL2-related conditions. Algorithms developed to predict the effect of sequence changes on RNA splicing suggest that this variant may disrupt the consensus splice site. For these reasons, this variant has been classified as Pathogenic.

Literature cited by the submitters: PubMed 30237576; PubMed 31688942.